The following is an entry in ClinVar:

NM_004655.4(AXIN2):c.816-15G>A

Gene: AXIN2 (axin 2; minus strand). Cytogenetic location: 17q24.1.
Variant type: single nucleotide variant.
Coding change: c.816-15G>A on transcript NM_004655.4 (MANE Select); 15 bases into the intron before coding-DNA position 816, G replaced by A.
Molecular consequence: intron variant.
Genome position (GRCh38, 1-based): chr17:65,549,675, C>T on the plus strand (G>A on the coding strand, the complement: AXIN2 is on the minus strand). VCF-style: chr17-65549675-C-T. GRCh37 (hg19) VCF-style: chr17-63545793-C-T.
Other names: c.816-15G>A (NM_001363813.1).
Identifiers: ClinVar variation 3254357 (VCV003254357.3), dbSNP rs2144540392.

ClinVar aggregate classification (germline): Likely benign. Review status: criteria provided, multiple submitters, no conflicts (2 of 4 stars). 2 submissions from 2 submitters: Likely benign (2). Last evaluated 2024-06-27.

Conditions:
Oligodontia-cancer predisposition syndrome. Also called: TOOTH AGENESIS-COLORECTAL CANCER SYNDROME. Identifiers: Orphanet 300576, MedGen C1837750, MONDO:0012075, OMIM 608615. Disease mechanism: loss of function.

Allele frequency attached by ClinVar (database versions not stated): gnomAD exomes below 0.00001.
gnomAD v4.1: 1 of 1,588,146 alleles (0.000063%); highest among the groups gnomAD compares: South Asian, 0.0011%; no homozygotes.

Submissions (2):

Myriad Genetics, Inc.
Classification: Likely benign for Oligodontia-cancer predisposition syndrome. Last evaluated: 2024-06-27. Review status: criteria provided, single submitter. Criteria: Myriad Autosomal Dominant, Autosomal Recessive and X-Linked Classification Criteria (2023). Collection method: clinical testing. Allele origin: unknown.
Comment: This variant is considered likely benign. This variant is intronic and is not expected to impact mRNA splicing.

Labcorp Genetics (formerly Invitae), Labcorp
Classification: Likely benign for Oligodontia-cancer predisposition syndrome. Last evaluated: 2024-06-16. Review status: criteria provided, single submitter. Criteria: Invitae Variant Classification Sherloc (09022015). Collection method: clinical testing. Allele origin: germline.